The following is an entry in ClinVar:

ClinVar aggregate classification (germline): Benign/Likely benign. Review status: criteria provided, multiple submitters, no conflicts (2 of 4 stars). 3 submissions from 3 submitters: Benign (1); Likely benign (1). 1 of the submissions does not count toward it. Last evaluated 2026-01-19.

Conditions:
DMXL2-related disorder. Also called: DMXL2-related condition.

Allele frequency attached by ClinVar (database versions not stated): gnomAD exomes 0.00027; ExAC 0.00034; gnomAD 0.00102 and 0.00106; TOPMed 0.00130; ESP Exome Variant Server 0.00146; 1000 Genomes Project 0.00200; 1000 Genomes Project 30x 0.00219.
gnomAD v4.1: 359 of 1,614,118 alleles (0.022%); highest among the groups gnomAD compares: African/African-American, 0.45%; 4 homozygotes.

Submissions (3):

Labcorp Genetics (formerly Invitae), Labcorp
Classification: Benign. Last evaluated: 2026-01-19. Review status: criteria provided, single submitter. Criteria: Invitae Variant Classification Sherloc (09022015). Collection method: clinical testing. Allele origin: germline.

Blueprint Genetics
Classification: Likely benign. Last evaluated: 2024-07-11. Review status: criteria provided, single submitter. Criteria: ACMG Guidelines, 2015. Collection method: clinical testing. Allele origin: germline.

PreventionGenetics, part of Exact Sciences
Classification: Likely benign for DMXL2-related condition. Last evaluated: 2024-06-06. Review status: no assertion criteria provided. Collection method: clinical testing. Allele origin: germline. Not counted in ClinVar's aggregate classification.
Comment: This variant is classified as likely benign based on ACMG/AMP sequence variant interpretation guidelines (Richards et al. 2015 PMID: 25741868, with internal and published modifications).

NM_001378457.1(DMXL2):c.3624G>A (p.Lys1208=)

Gene: DMXL2 (Dmx like 2; minus strand). Cytogenetic location: 15q21.2.
Variant type: single nucleotide variant.
Coding change: c.3624G>A on transcript NM_001378457.1 (MANE Select); coding-DNA position 3624, G replaced by A.
Protein change: p.Lys1208=; no amino-acid change (lysine 1208 retained).
Molecular consequence: synonymous variant. On other transcripts: non-coding transcript variant (2), intron variant (2).
Genome position (GRCh38, 1-based): chr15:51,499,600, C>T on the plus strand (G>A on the coding strand, the complement: DMXL2 is on the minus strand). VCF-style: chr15-51499600-C-T. GRCh37 (hg19) VCF-style: chr15-51791797-C-T.
Other names: c.3624G>A, p.Lys1208= (NM_001174116.3, NM_001378458.1, NM_001378459.1 and 4 more transcripts); c.3384G>A, p.Lys1128= (NM_001378464.1); c.2764+7534G>A (NM_001378460.1); c.2765-4466G>A (NM_001174117.3).
Identifiers: ClinVar variation 718602 (VCV000718602.13), dbSNP rs143088657, ClinGen allele CA7562142.
Genomic context (GRCh38, chr15:51,499,600, plus strand): 5'-TGACTTAACTCCTTGCTTGATACTACCACCTAGTGGTAAAGTGATGACAGCTACTCCATC[C>T]TTACTGTTGGTTTGCTCAGTCACAATTCCTGAAAGCCTTCCATACATGAAGATATTCGCA-3'
Protein context (NP_001365386.1, residues 1198-1218): SGIVTEQTNS[Lys1208=]DGVAVITLPL